The following is an entry in ClinVar:

ClinVar aggregate classification (germline): Pathogenic (1 of 4 stars; one submission).

Conditions:
Hypertrophic cardiomyopathy. Also called: HYPERTROPHIC MYOCARDIOPATHY. Identifiers: Orphanet 217569, MedGen C0007194, MeSH D002312, MONDO:0005045, HP:0001639.

Submission:

Labcorp Genetics (formerly Invitae), Labcorp
Classification: Pathogenic for Hypertrophic cardiomyopathy. Last evaluated: 2022-10-10. Review status: criteria provided, single submitter. Criteria: Invitae Variant Classification Sherloc (09022015). Collection method: clinical testing. Allele origin: germline.
Comment: This sequence change creates a premature translational stop signal (p.Val849Serfs*34) in the MYBPC3 gene. It is expected to result in an absent or disrupted protein product. Loss-of-function variants in MYBPC3 are known to be pathogenic (PMID: 19574547). This variant is not present in population databases (gnomAD no frequency). This variant has not been reported in the literature in individuals affected with MYBPC3-related conditions. For these reasons, this variant has been classified as Pathogenic.

Literature cited by the submitters: PubMed 19574547.

NM_000256.3(MYBPC3):c.2545_2550delinsTCAT (p.Val849fs)

Gene: MYBPC3 (myosin binding protein C3; minus strand). Cytogenetic location: 11p11.2.
Variant type: Indel.
Coding change: c.2545_2550delinsTCAT on transcript NM_000256.3 (MANE Select); coding-DNA positions 2545 to 2550, GTCAAC replaced by TCAT.
Protein change: p.Val849fs; shifts the reading frame from valine 849.
Molecular consequence: frameshift variant.
Genome position (GRCh38, 1-based): chr11:47,337,443-47,337,448, GTTGAC replaced by ATGA on the plus strand (GTCAAC replaced by TCAT on the coding strand, the reverse complement: MYBPC3 is on the minus strand). VCF-style: chr11-47337443-GTTGAC-ATGA. GRCh37 (hg19) VCF-style: chr11-47358994-GTTGAC-ATGA.
Other names: short protein forms V849fs.
Identifiers: ClinVar variation 2137074 (VCV002137074.4), dbSNP rs2495749375, ClinGen allele CA2580084284.